The following is an entry in ClinVar:

ClinVar aggregate classification (germline): Uncertain significance (1 of 4 stars; one submission).

Conditions:
Spermatogenic failure 18. Identifiers: MedGen C4539783, MONDO:0054615, OMIM 617576.
Ciliary dyskinesia, primary, 37 (CILD37). Also called: CILIARY DYSKINESIA, PRIMARY, 37, WITH OR WITHOUT SITUS INVERSUS. Identifiers: MedGen C4539798, MONDO:0033204, OMIM 617577.

Allele frequency attached by ClinVar (database versions not stated): gnomAD exomes below 0.00001.
gnomAD v4.1: 2 of 1,606,138 alleles (0.00012%); highest among the groups gnomAD compares: Non-Finnish European, 0.00017%; no homozygotes.

Submission:

Labcorp Genetics (formerly Invitae), Labcorp
Classification: Uncertain significance for Ciliary dyskinesia, primary, 37; Spermatogenic failure 18. Last evaluated: 2023-04-25. Review status: criteria provided, single submitter. Criteria: Invitae Variant Classification Sherloc (09022015). Collection method: clinical testing. Allele origin: germline.
Comment: In summary, the available evidence is currently insufficient to determine the role of this variant in disease. Therefore, it has been classified as a Variant of Uncertain Significance. Advanced modeling of protein sequence and biophysical properties (such as structural, functional, and spatial information, amino acid conservation, physicochemical variation, residue mobility, and thermodynamic stability) performed at Invitae indicates that this missense variant is expected to disrupt DNAH1 protein function. This variant has not been reported in the literature in individuals affected with DNAH1-related conditions. This variant is not present in population databases (gnomAD no frequency). This sequence change replaces leucine, which is neutral and non-polar, with proline, which is neutral and non-polar, at codon 2579 of the DNAH1 protein (p.Leu2579Pro).

NM_015512.5(DNAH1):c.7736T>C (p.Leu2579Pro)

Gene: DNAH1 (dynein axonemal heavy chain 1; plus strand). Cytogenetic location: 3p21.1.
Variant type: single nucleotide variant.
Coding change: c.7736T>C on transcript NM_015512.5 (MANE Select); coding-DNA position 7736, T replaced by C.
Protein change: p.Leu2579Pro; replaces leucine 2579 with proline.
Molecular consequence: missense variant.
Genome position (GRCh38, 1-based): chr3:52,381,767, T>C. VCF-style: chr3-52381767-T-C. GRCh37 (hg19) VCF-style: chr3-52415783-T-C.
Other names: short protein forms L2579P.
Identifiers: ClinVar variation 2946498 (VCV002946498.2), dbSNP rs2471259690, ClinGen allele CA353180344.